The following is an entry in ClinVar:

NM_021954.4(GJA3):c.139G>T (p.Asp47Tyr)

Gene: GJA3 (gap junction protein alpha 3; minus strand). Cytogenetic location: 13q12.11.
Variant type: single nucleotide variant.
Coding change: c.139G>T on transcript NM_021954.4 (MANE Select); coding-DNA position 139, G replaced by T.
Protein change: p.Asp47Tyr; replaces aspartic acid 47 with tyrosine.
Molecular consequence: missense variant.
Genome position (GRCh38, 1-based): chr13:20,143,150, C>A on the plus strand (G>T on the coding strand, the complement: GJA3 is on the minus strand). VCF-style: chr13-20143150-C-A. GRCh37 (hg19) VCF-style: chr13-20717289-C-A.
Other names: short protein forms D47Y.
Identifiers: ClinVar variation 568173 (VCV000568173.7), dbSNP rs1566515377, ClinGen allele CA387465592.

ClinVar aggregate classification (germline): Uncertain significance (1 of 4 stars; one submission).

Conditions:
Cataract 14 multiple types. Also called: CATARACT 14, ZONULAR PULVERULENT; CATARACT 14, NUCLEAR PULVERULENT; CATARACT 14, NUCLEAR PULVERULENT AND POSTERIOR POLAR; CATARACT 14, NUCLEAR CORALLIFORM; CATARACT 14, EMBRYONAL NUCLEAR; CATARACT 14, COPPOCK-LIKE. Identifiers: Orphanet 91492, MedGen C1866078, MONDO:0011162, OMIM 601885.

Submission:

Labcorp Genetics (formerly Invitae), Labcorp
Classification: Uncertain significance for Cataract 14 multiple types. Last evaluated: 2018-04-04. Review status: criteria provided, single submitter. Criteria: Invitae Variant Classification Sherloc (09022015). Collection method: clinical testing. Allele origin: germline.
Comment: In summary, the available evidence is currently insufficient to determine the role of this variant in disease. Therefore, it has been classified as a Variant of Uncertain Significance. A different missense substitution at this codon (p.Asp47Asn) has been determined to be pathogenic (PMID: 21552498, 24772942). This suggests that the aspartic acid residue is critical for GJA3 protein function and that other missense substitutions at this position may also be pathogenic. Algorithms developed to predict the effect of missense changes on protein structure and function (SIFT, PolyPhen-2, Align-GVGD) all suggest that this variant is likely to be disruptive, but these predictions have not been confirmed by published functional studies and their clinical significance is uncertain. This variant has not been reported in the literature in individuals with GJA3-related disease. This variant is not present in population databases (ExAC no frequency). This sequence change replaces aspartic acid with tyrosine at codon 47 of the GJA3 protein (p.Asp47Tyr). The aspartic acid residue is highly conserved and there is a large physicochemical difference between aspartic acid and tyrosine.

Literature cited by the submitters: PubMed 21552498; PubMed 24772942.